The following is an entry in ClinVar:

NC_000023.10:g.(?_122561772)_(122616895_?)dup

Gene: GRIA3 (glutamate ionotropic receptor AMPA type subunit 3; plus strand). Cytogenetic location: Xq25.
Variant type: Duplication.
Identifiers: ClinVar variation 3246355 (VCV003246355.1).

ClinVar aggregate classification (germline): Uncertain significance (1 of 4 stars; one submission).

Submission:

Labcorp Genetics (formerly Invitae), Labcorp
Classification: Uncertain significance. Last evaluated: 2023-11-06. Review status: criteria provided, single submitter. Criteria: Invitae Variant Classification Sherloc (09022015). Collection method: clinical testing. Allele origin: unknown.
Comment: This variant results in a copy number gain of the genomic region encompassing exon(s) 12-15 of the GRIA3 gene. This region includes the termination codon of the gene. This copy number gain extends beyond the assayed region for this gene and therefore may encompass additional genes. As the precise location of this event is unknown, it may be in tandem or it may be located elsewhere in the genome. This variant has not been reported in the literature in individuals affected with GRIA3-related conditions. Experimental studies and prediction algorithms are not available or were not evaluated, and the functional significance of this variant is currently unknown. In summary, the available evidence is currently insufficient to determine the role of this variant in disease. Therefore, it has been classified as a Variant of Uncertain Significance.